The following is an entry in ClinVar:

NM_000059.4(BRCA2):c.4085A>G (p.His1362Arg)

Gene: BRCA2 (BRCA2 DNA repair associated; plus strand). Cytogenetic location: 13q13.1.
Variant type: single nucleotide variant.
Coding change: c.4085A>G on transcript NM_000059.4 (MANE Select); coding-DNA position 4085, A replaced by G.
Protein change: p.His1362Arg; replaces histidine 1362 with arginine.
Molecular consequence: missense variant.
Genome position (GRCh38, 1-based): chr13:32,338,440, A>G. VCF-style: chr13-32338440-A-G. GRCh37 (hg19) VCF-style: chr13-32912577-A-G.
Other names: short protein forms H1362R.
Identifiers: ClinVar variation 409510 (VCV000409510.20), dbSNP rs1060502441, ClinGen allele CA16614300.

ClinVar aggregate classification (germline): Conflicting classifications of pathogenicity. Review status: criteria provided, conflicting classifications (1 of 4 stars). 6 submissions from 6 submitters: Uncertain significance (4); Likely benign (1). 1 of the submissions does not count toward it. Last evaluated 2025-12-18.

Conditions:
Hereditary cancer-predisposing syndrome. Also called: Neoplastic Syndromes, Hereditary; Tumor predisposition; Hereditary neoplastic syndrome; Hereditary Cancer Syndrome. Identifiers: Orphanet 140162, MedGen C0027672, MeSH D009386, MONDO:0015356.
Hereditary breast ovarian cancer syndrome. Also called: Breast and ovarian cancer; BRCA1- and BRCA2-Associated Hereditary Breast and Ovarian Cancer; Hereditary breast and ovarian cancer; Hereditary breast and/or ovarian cancer syndrome; Hereditary breast and ovarian cancer syndrome; Hereditary breast and ovarian cancer syndrome (HBOC). Identifiers: Orphanet 145, MedGen C0677776, MeSH D061325, MONDO:0003582. Disease mechanism: loss of function.
Familial cancer of breast. Also called: BREAST CANCER, FAMILIAL; hereditary breast carcinoma; Hereditary breast cancer. Identifiers: Orphanet 227535, MedGen C0346153, MONDO:0016419, OMIM 114480. Disease mechanism: loss of function.

Allele frequency attached by ClinVar (database versions not stated): gnomAD exomes below 0.00001.
gnomAD v4.1: 2 of 1,611,752 alleles (0.00012%); highest among the groups gnomAD compares: East Asian, 0.0045%; no homozygotes.

Submissions (6):

Ambry Genetics
Classification: Uncertain significance for Hereditary cancer-predisposing syndrome. Last evaluated: 2025-12-18. Review status: criteria provided, single submitter. Criteria: Ambry Variant Classification Scheme 2023. Collection method: clinical testing. Allele origin: germline.
Comment: The p.H1362R variant (also known as c.4085A>G), located in coding exon 10 of the BRCA2 gene, results from an A to G substitution at nucleotide position 4085. The histidine at codon 1362 is replaced by arginine, an amino acid with highly similar properties. This amino acid position is not well conserved in available vertebrate species. In addition, this alteration is predicted to be tolerated by in silico analysis. Since supporting evidence is limited at this time, the clinical significance of this alteration remains unclear.

Labcorp Genetics (formerly Invitae), Labcorp
Classification: Uncertain significance for Hereditary breast ovarian cancer syndrome. Last evaluated: 2024-11-24. Review status: criteria provided, single submitter. Criteria: Invitae Variant Classification Sherloc (09022015). Collection method: clinical testing. Allele origin: germline.
Comment: This sequence change replaces histidine, which is basic and polar, with arginine, which is basic and polar, at codon 1362 of the BRCA2 protein (p.His1362Arg). This variant is present in population databases (no rsID available, gnomAD 0.006%). This missense change has been observed in individual(s) with breast and/or ovarian cancer (PMID: 35918668). ClinVar contains an entry for this variant (Variation ID: 409510). Invitae Evidence Modeling of protein sequence and biophysical properties (such as structural, functional, and spatial information, amino acid conservation, physicochemical variation, residue mobility, and thermodynamic stability) indicates that this missense variant is not expected to disrupt BRCA2 protein function with a negative predictive value of 95%. In summary, the available evidence is currently insufficient to determine the role of this variant in disease. Therefore, it has been classified as a Variant of Uncertain Significance.

University of Washington Department of Laboratory Medicine, University of Washington
Classification: Likely benign for Hereditary cancer-predisposing syndrome. Last evaluated: 2023-03-23. Review status: criteria provided, single submitter. Criteria: Dines et al. (Genet Med. 2020). Collection method: curation. Allele origin: germline.
Comment: Missense variant in a coldspot region where missense variants are very unlikely to be pathogenic (PMID:31911673).

BRCA2 exon 11 coldspot. Reclassification based on statistical prior probability.

Sema4
Classification: Uncertain significance for Hereditary cancer-predisposing syndrome. Last evaluated: 2022-02-01. Review status: criteria provided, single submitter. Criteria: Sema4 Curation Guidelines. Collection method: curation. Allele origin: germline.
Comment: The BRCA2 c.4085A>G (p.H1362R) variant has been reported in heterozygosity in at least one individual with breast cancer (PMID: 33471991). This variant was observed in 1/18354 chromosomes in the East Asian population according to the Genome Aggregation Database (PMID: 32461654). The variant has been reported in ClinVar (Variation ID: 409510). Functional studies have not been performed, and in silico predictions of the variant's effect on protein function are inconclusive. The evidence is insufficient to meet ACMG/AMP criteria for classifying the variant as benign or pathogenic. Thus, the clinical significance of this variant is currently uncertain.

Color Diagnostics, LLC DBA Color Health
Classification: Uncertain significance for Hereditary cancer-predisposing syndrome. Last evaluated: 2019-04-19. Review status: criteria provided, single submitter. Criteria: ACMG Guidelines, 2015. Collection method: clinical testing. Allele origin: germline.

Center for Precision Medicine, Meizhou People's Hospital
Classification: Uncertain significance for Familial cancer of breast. Review status: no assertion criteria provided. Collection method: curation. Allele origin: germline. Affected: yes. Not counted in ClinVar's aggregate classification.

Literature cited by the submitters: PubMed 35918668 (cited by Labcorp Genetics (formerly Invitae), Labcorp); PubMed 33471991 (cited by Sema4).